The following is an entry in ClinVar:

ClinVar aggregate classification (germline): Uncertain significance (1 of 4 stars; one submission).

Conditions:
PLXNA3-related disorder. Also called: PLXNA3-related condition.

gnomAD v4.1: 21 of 1,209,107 alleles (0.0017%); highest among the groups gnomAD compares: South Asian, 0.0035%; no homozygotes.

Submission:

PreventionGenetics, part of Exact Sciences
Classification: Uncertain significance for PLXNA3-related condition. Last evaluated: 2025-06-14. Review status: criteria provided, single submitter. Criteria: ACMG Guidelines, 2015. Collection method: clinical testing. Allele origin: germline.
Comment: The PLXNA3 c.1840A>G variant is predicted to result in the amino acid substitution p.Thr614Ala. To our knowledge, this variant has not been reported in the literature. This variant is reported in 0.0052% of alleles in individuals of South Asian descent in gnomAD. At this time, the clinical significance of this variant is uncertain due to the absence of conclusive functional and genetic evidence.

NM_017514.5(PLXNA3):c.1840A>G (p.Thr614Ala)

Gene: PLXNA3 (plexin A3; plus strand). Cytogenetic location: Xq28.
Variant type: single nucleotide variant.
Coding change: c.1840A>G on transcript NM_017514.5 (MANE Select); coding-DNA position 1840, A replaced by G.
Protein change: p.Thr614Ala; replaces threonine 614 with alanine.
Molecular consequence: missense variant.
Genome position (GRCh38, 1-based): chrX:154,464,413, A>G. VCF-style: chrX-154464413-A-G. GRCh37 (hg19) VCF-style: chrX-153692756-A-G.
Other names: short protein forms T614A.
Identifiers: ClinVar variation 4987825 (VCV004987825.1).
Genomic context (GRCh38, chrX:154,464,413, plus strand): 5'-GCCTCTCCCTACCCCCAGCGAGTTCACGGCCACCCCGGGACTGCTGCAGGGGCCACCCGC[A>G]CTGTGCGGCTGCAGCTTCTCTCCAAGGAGACAGGCGTGAGGTTTGCCGGTGCTGACTTTG-3'
Protein context (NP_059984.3, residues 604-624): ALTRGHGATR[Thr614Ala]VRLQLLSKET